The following is an entry in ClinVar:

NM_000393.5(COL5A2):c.1960G>A (p.Gly654Ser)

Gene: COL5A2 (collagen type V alpha 2 chain; minus strand). Cytogenetic location: 2q32.2.
Variant type: single nucleotide variant.
Coding change: c.1960G>A on transcript NM_000393.5 (MANE Select); coding-DNA position 1960, G replaced by A.
Protein change: p.Gly654Ser; replaces glycine 654 with serine.
Molecular consequence: missense variant.
Genome position (GRCh38, 1-based): chr2:189,062,882, C>T on the plus strand (G>A on the coding strand, the complement: COL5A2 is on the minus strand). VCF-style: chr2-189062882-C-T. GRCh37 (hg19) VCF-style: chr2-189927608-C-T.
Other names: short protein forms G654S.
Identifiers: ClinVar variation 1413406 (VCV001413406.9), dbSNP rs773726323, ClinGen allele CA325356.

ClinVar aggregate classification (germline): Uncertain significance. Review status: criteria provided, multiple submitters, no conflicts (2 of 4 stars). 4 submissions from 4 submitters: Uncertain significance (4). Last evaluated 2026-02-19.

Conditions:
Familial thoracic aortic aneurysm and aortic dissection (TAAD). Also called: Thoracic aortic aneurysms and dissections. Identifiers: Orphanet 91387, MedGen C4707243, MONDO:0019625.
Ehlers-Danlos syndrome, classic type, 1 (EDSCL1). Also called: EHLERS-DANLOS SYNDROME, GRAVIS TYPE; EHLERS-DANLOS SYNDROME, SEVERE CLASSIC TYPE; Ehlers-Danlos syndrome, type 1; Ehlers-Danlos Syndrome, Classic Type, COL5A1-Related; EDS I. Identifiers: MedGen C0268335, MONDO:0019567, OMIM 130000.

Allele frequency attached by ClinVar (database versions not stated): gnomAD exomes 0.00001 and below 0.00001; ExAC 0.00002; gnomAD 0.00003 and 0.00002; TOPMed 0.00005.

Submissions (4):

Ambry Genetics
Classification: Uncertain significance for Familial thoracic aortic aneurysm and aortic dissection. Last evaluated: 2026-02-19. Review status: criteria provided, single submitter. Criteria: Ambry Variant Classification Scheme 2023. Collection method: clinical testing. Allele origin: germline.
Comment: The p.G654S variant (also known as c.1960G>A), located in coding exon 29 of the COL5A2 gene, results from a G to A substitution at nucleotide position 1960. The glycine at codon 654 is replaced by serine, an amino acid with similar properties. This amino acid position is conserved. In addition, this alteration is predicted to be deleterious by in silico analysis. Based on the available evidence, the clinical significance of this variant remains unclear.

Labcorp Genetics (formerly Invitae), Labcorp
Classification: Uncertain significance for Ehlers-Danlos syndrome, classic type, 1. Last evaluated: 2025-12-26. Review status: criteria provided, single submitter. Criteria: Invitae Variant Classification Sherloc (09022015). Collection method: clinical testing. Allele origin: germline.
Comment: This sequence change replaces glycine, which is neutral and non-polar, with serine, which is neutral and polar, at codon 654 of the COL5A2 protein (p.Gly654Ser). This variant is present in population databases (rs773726323, gnomAD 0.003%). This variant has not been reported in the literature in individuals affected with COL5A2-related conditions. ClinVar contains an entry for this variant (Variation ID: 1413406). Invitae Evidence Modeling of protein sequence and biophysical properties (such as structural, functional, and spatial information, amino acid conservation, physicochemical variation, residue mobility, and thermodynamic stability) indicates that this missense variant is expected to disrupt COL5A2 protein function with a positive predictive value of 80%. In summary, the available evidence is currently insufficient to determine the role of this variant in disease. Therefore, it has been classified as a Variant of Uncertain Significance.

Greenwood Genetic Center Diagnostic Laboratories, Greenwood Genetic Center
Classification: Uncertain significance. Last evaluated: 2024-05-20. Review status: criteria provided, single submitter. Criteria: ACMG Guidelines, 2015. Collection method: clinical testing. Allele origin: germline. Affected: yes.
Comment: PP2, PP3

AiLife Diagnostics
Classification: Uncertain significance. Last evaluated: 2021-09-23. Review status: criteria provided, single submitter. Criteria: ACMG Guidelines, 2015. Collection method: clinical testing. Allele origin: germline. Affected: yes. Observed: 1 variant allele.